The following is an entry in ClinVar:

NM_000051.4(ATM):c.3650T>A (p.Leu1217Gln)

Gene: ATM (ATM serine/threonine kinase; plus strand). Cytogenetic location: 11q22.3.
Variant type: single nucleotide variant.
Coding change: c.3650T>A on transcript NM_000051.4 (MANE Select); coding-DNA position 3650, T replaced by A.
Protein change: p.Leu1217Gln; replaces leucine 1217 with glutamine.
Molecular consequence: missense variant.
Genome position (GRCh38, 1-based): chr11:108,282,783, T>A. VCF-style: chr11-108282783-T-A. GRCh37 (hg19) VCF-style: chr11-108153510-T-A.
Other names: c.3650T>A, p.Leu1217Gln (NM_001351834.2); short protein forms L1217Q.
Identifiers: ClinVar variation 489539 (VCV000489539.13), dbSNP rs1555092405, ClinGen allele CA382522967.

ClinVar aggregate classification (germline): Uncertain significance. Review status: criteria provided, multiple submitters, no conflicts (2 of 4 stars). 3 submissions from 3 submitters: Uncertain significance (3). Last evaluated 2024-01-24.

Conditions:
Hereditary cancer-predisposing syndrome. Also called: Tumor predisposition; Neoplastic Syndromes, Hereditary; Hereditary Cancer Syndrome; Hereditary neoplastic syndrome. Identifiers: Orphanet 140162, MedGen C0027672, MeSH D009386, MONDO:0015356.
Ataxia-telangiectasia syndrome (AT). Also called: Ataxia-telangiectasia; Ataxia-telangiectasia, complementation group D; AT, COMPLEMENTATION GROUP C; LOUIS-BAR SYNDROME; Cerebello-oculocutaneous telangiectasia; Immunodeficiency with ataxia telangiectasia. Identifiers: Orphanet 100, MedGen C0004135, MONDO:0008840, OMIM 208900.

Submissions (3):

Labcorp Genetics (formerly Invitae), Labcorp
Classification: Uncertain significance for Ataxia-telangiectasia syndrome. Last evaluated: 2024-01-24. Review status: criteria provided, single submitter. Criteria: Invitae Variant Classification Sherloc (09022015). Collection method: clinical testing. Allele origin: germline.
Comment: This sequence change replaces leucine, which is neutral and non-polar, with glutamine, which is neutral and polar, at codon 1217 of the ATM protein (p.Leu1217Gln). This variant is not present in population databases (gnomAD no frequency). This variant has not been reported in the literature in individuals affected with ATM-related conditions. ClinVar contains an entry for this variant (Variation ID: 489539). An algorithm developed to predict the effect of missense changes on protein structure and function (PolyPhen-2) suggests that this variant is likely to be disruptive. In summary, the available evidence is currently insufficient to determine the role of this variant in disease. Therefore, it has been classified as a Variant of Uncertain Significance.

Color Diagnostics, LLC DBA Color Health
Classification: Uncertain significance for Hereditary cancer-predisposing syndrome. Last evaluated: 2023-12-05. Review status: criteria provided, single submitter. Criteria: ACMG Guidelines, 2015. Collection method: clinical testing. Allele origin: germline.
Comment: This missense variant replaces leucine with glutamine at codon 1217 of the ATM protein. Computational prediction suggests that this variant may have deleterious impact on protein structure and function (internally defined REVEL score threshold >= 0.7, PMID: 27666373). To our knowledge, functional studies have not been reported for this variant. This variant has not been reported in individuals affected with ATM-related disorders in the literature. This variant has not been identified in the general population by the Genome Aggregation Database (gnomAD). The available evidence is insufficient to determine the role of this variant in disease conclusively. Therefore, this variant is classified as a Variant of Uncertain Significance.

Ambry Genetics
Classification: Uncertain significance for Hereditary cancer-predisposing syndrome. Last evaluated: 2023-05-24. Review status: criteria provided, single submitter. Criteria: Ambry Variant Classification Scheme 2023. Collection method: clinical testing. Allele origin: germline.
Comment: The p.L1217Q variant (also known as c.3650T>A), located in coding exon 24 of the ATM gene, results from a T to A substitution at nucleotide position 3650. The leucine at codon 1217 is replaced by glutamine, an amino acid with dissimilar properties. This amino acid position is highly conserved in available vertebrate species. In addition, this alteration is predicted to be deleterious by in silico analysis. Since supporting evidence is limited at this time, the clinical significance of this alteration remains unclear.